The following is an entry in ClinVar:

NM_001267550.2(TTN):c.80917C>G (p.Pro26973Ala)

Genes: TTN (titin; minus strand), TTN-AS1 (TTN antisense RNA 1; plus strand). Cytogenetic location: 2q31.2.
Variant type: single nucleotide variant.
Coding change: c.80917C>G on transcript NM_001267550.2 (MANE Select); coding-DNA position 80917, C replaced by G.
Protein change: p.Pro26973Ala; replaces proline 26973 with alanine.
Molecular consequence: missense variant.
Genome position (GRCh38, 1-based): chr2:178,565,215, G>C on the plus strand (C>G on the coding strand, the complement: TTN is on the minus strand). VCF-style: chr2-178565215-G-C. GRCh37 (hg19) VCF-style: chr2-179429942-G-C.
Other names: c.75994C>G, p.Pro25332Ala (NM_001256850.1); c.53722C>G, p.Pro17908Ala (NM_003319.4); c.73213C>G, p.Pro24405Ala (NM_133378.4); c.54097C>G, p.Pro18033Ala (NM_133432.3); c.54298C>G, p.Pro18100Ala (NM_133437.4); short protein forms P25332A, P18100A, P17908A, P24405A, P18033A, P26973A.
Identifiers: ClinVar variation 1747109 (VCV001747109.2), dbSNP rs148598047, ClinGen allele CA1989280.

ClinVar aggregate classification (germline): Uncertain significance (1 of 4 stars; one submission).

Conditions:
Cardiovascular phenotype. Identifiers: MedGen CN230736.

Allele frequency attached by ClinVar (database versions not stated): gnomAD exomes below 0.00001; ExAC 0.00002; TOPMed 0.00002; gnomAD 0.00005; 1000 Genomes Project 30x 0.00016; 1000 Genomes Project 0.00020.
gnomAD v4.1: 11 of 1,613,532 alleles (0.00068%); highest among the groups gnomAD compares: African/African-American, 0.015%; no homozygotes.

Submission:

Ambry Genetics
Classification: Uncertain significance for Cardiovascular phenotype. Last evaluated: 2019-10-11. Review status: criteria provided, single submitter. Criteria: Ambry Variant Classification Scheme 2023. Collection method: clinical testing. Allele origin: germline.
Comment: The p.P17908A variant (also known as c.53722C>G), located in coding exon 153 of the TTN gene, results from a C to G substitution at nucleotide position 53722. The proline at codon 17908 is replaced by alanine, an amino acid with highly similar properties. This amino acid position is highly conserved in available vertebrate species. In addition, the in silico prediction for this alteration is inconclusive. Since supporting evidence is limited at this time, the clinical significance of this alteration remains unclear.